The following is an entry in ClinVar:

NM_007186.6(CEP250):c.4486G>T (p.Val1496Phe)

Gene: CEP250 (centrosomal protein 250; plus strand). Cytogenetic location: 20q11.22.
Variant type: single nucleotide variant.
Coding change: c.4486G>T on transcript NM_007186.6 (MANE Select); coding-DNA position 4486, G replaced by T.
Protein change: p.Val1496Phe; replaces valine 1496 with phenylalanine.
Molecular consequence: missense variant.
Genome position (GRCh38, 1-based): chr20:35,502,855, G>T. VCF-style: chr20-35502855-G-T. GRCh37 (hg19) VCF-style: chr20-34090683-G-T.
Other names: c.2590G>T, p.Val864Phe (NM_001318219.1); short protein forms V864F, V1496F.
Identifiers: ClinVar variation 1906211 (VCV001906211.4), dbSNP rs867147471, ClinGen allele CA408748348.

ClinVar aggregate classification (germline): Uncertain significance (1 of 4 stars; one submission).

Submission:

Labcorp Genetics (formerly Invitae), Labcorp
Classification: Uncertain significance. Last evaluated: 2023-06-30. Review status: criteria provided, single submitter. Criteria: Invitae Variant Classification Sherloc (09022015). Collection method: clinical testing. Allele origin: germline.
Comment: This variant has not been reported in the literature in individuals affected with CEP250-related conditions. In summary, the available evidence is currently insufficient to determine the role of this variant in disease. Therefore, it has been classified as a Variant of Uncertain Significance. An algorithm developed to predict the effect of missense changes on protein structure and function (PolyPhen-2) suggests that this variant is likely to be disruptive. ClinVar contains an entry for this variant (Variation ID: 1906211). This variant is present in population databases (no rsID available, gnomAD 0.003%). This sequence change replaces valine, which is neutral and non-polar, with phenylalanine, which is neutral and non-polar, at codon 1496 of the CEP250 protein (p.Val1496Phe).